The following is an entry in ClinVar:

NM_001710.6(CFB):c.1848G>C (p.Gln616His)

Gene: CFB (complement factor B; plus strand). Cytogenetic location: 6p21.33.
Variant type: single nucleotide variant.
Coding change: c.1848G>C on transcript NM_001710.6 (MANE Select); coding-DNA position 1848, G replaced by C.
Protein change: p.Gln616His; replaces glutamine 616 with histidine.
Molecular consequence: missense variant.
Genome position (GRCh38, 1-based): chr6:31,950,937, G>C. VCF-style: chr6-31950937-G-C. GRCh37 (hg19) VCF-style: chr6-31918714-G-C.
Other names: short protein forms Q616H.
Identifiers: ClinVar variation 2775570 (VCV002775570.3), dbSNP rs369531605, ClinGen allele CA3728466.
Genomic context (GRCh38, chr6:31,950,937, plus strand): 5'-TCTCCCCTGCACCGAGGGAACAACTCGAGCTTTGAGGCTTCCTCCAACTACCACTTGCCA[G>C]CAACAAAGTAAGACATACTTGGCAAGAGGATAAGGATGAGATCCCAAGAGACAAGTGGGG-3'
Protein context (NP_001701.2, residues 606-626): ALRLPPTTTC[Gln616His]QQKEELLPAQ

ClinVar aggregate classification (germline): Uncertain significance (1 of 4 stars; one submission).

Allele frequency attached by ClinVar (database versions not stated): ExAC 0.00001; gnomAD exomes 0.00001; ESP Exome Variant Server 0.00012.
gnomAD v4.1: 8 of 1,613,004 alleles (0.0005%); highest among the groups gnomAD compares: Non-Finnish European, 0.00068%; no homozygotes.

Submission:

Labcorp Genetics (formerly Invitae), Labcorp
Classification: Uncertain significance. Last evaluated: 2023-06-10. Review status: criteria provided, single submitter. Criteria: Invitae Variant Classification Sherloc (09022015). Collection method: clinical testing. Allele origin: germline.
Comment: In summary, the available evidence is currently insufficient to determine the role of this variant in disease. Therefore, it has been classified as a Variant of Uncertain Significance. Advanced modeling of protein sequence and biophysical properties (such as structural, functional, and spatial information, amino acid conservation, physicochemical variation, residue mobility, and thermodynamic stability) performed at Invitae indicates that this missense variant is not expected to disrupt CFB protein function. This variant has not been reported in the literature in individuals affected with CFB-related conditions. This variant is present in population databases (rs369531605, gnomAD 0.0009%). This sequence change replaces glutamine, which is neutral and polar, with histidine, which is basic and polar, at codon 616 of the CFB protein (p.Gln616His).